The following is an entry in ClinVar:

ClinVar aggregate classification (germline): Pathogenic. Review status: no assertion criteria provided (0 of 4 stars). 2 submissions from 2 submitters: Pathogenic (2). Last evaluated 2013-04-18.

Conditions:
Deficiency of ferroxidase (ACEP). Also called: Deficiency of ceruloplasmin; Aceruloplasminemia; Ceruloplasmin deficiency; Familial apoceruloplasmin deficiency; Hereditary ceruloplasmin deficiency; NEURODEGENERATION WITH BRAIN IRON ACCUMULATION 10. Identifiers: Orphanet 48818, MedGen C0878682, MONDO:0011426, OMIM 604290, HP:0025498.

Submissions (2):

GeneReviews
Classification: Pathogenic for Aceruloplasminemia. Last evaluated: 2013-04-18. Review status: no assertion criteria provided. Collection method: curation. Allele origin: unknown.
ClinVar note: Converted during submission from pathologic to Pathogenic.

Dept of Medicine and Surgery, University of Milano-Bicocca
Classification: Pathogenic for Aceruloplasminemia. Last evaluated: 2004-01-01. Review status: no assertion criteria provided. Collection method: clinical testing. Allele origin: germline. Affected: yes. Observed: 1 variant allele.

Literature cited by the submitters: PubMed 15082597 (cited by Dept of Medicine and Surgery, University of Milano-Bicocca).

NM_000096.4(CP):c.650T>C (p.Phe217Ser)

Gene: CP (ceruloplasmin; minus strand). Cytogenetic location: 3q25.1.
Variant type: single nucleotide variant.
Coding change: c.650T>C on transcript NM_000096.4 (MANE Select); coding-DNA position 650, T replaced by C.
Protein change: p.Phe217Ser; replaces phenylalanine 217 with serine.
Molecular consequence: missense variant. On other transcripts: non-coding transcript variant (1).
Genome position (GRCh38, 1-based): chr3:149,209,342, A>G on the plus strand (T>C on the coding strand, the complement: CP is on the minus strand). VCF-style: chr3-149209342-A-G. GRCh37 (hg19) VCF-style: chr3-148927129-A-G.
Other names: F198S; short protein forms F217S.
Identifiers: ClinVar variation 42051 (VCV000042051.4), dbSNP rs386134125, ClinGen allele CA344481.